The following is an entry in ClinVar:

ClinVar aggregate classification (germline): Uncertain significance. Review status: criteria provided, multiple submitters, no conflicts (2 of 4 stars). 3 submissions from 3 submitters: Uncertain significance (3). Last evaluated 2025-08-03.

Conditions:
Familial thoracic aortic aneurysm and aortic dissection (TAAD). Also called: Thoracic aortic aneurysms and dissections. Identifiers: Orphanet 91387, MedGen C4707243, MONDO:0019625.
Aortic aneurysm, familial thoracic 4 (AAT4). Also called: AORTIC ANEURYSM/AORTIC DISSECTION AND PATENT DUCTUS ARTERIOSUS. Identifiers: MedGen C1851504, MONDO:0007568, OMIM 132900.

Allele frequency attached by ClinVar (database versions not stated): gnomAD exomes below 0.00001.
gnomAD v4.1: 2 of 1,614,016 alleles (0.00012%); highest among the groups gnomAD compares: Non-Finnish European, 0.00017%; no homozygotes.

Submissions (3):

Labcorp Genetics (formerly Invitae), Labcorp
Classification: Uncertain significance for Aortic aneurysm, familial thoracic 4. Last evaluated: 2025-08-03. Review status: criteria provided, single submitter. Criteria: Invitae Variant Classification Sherloc (09022015). Collection method: clinical testing. Allele origin: germline.
Comment: This sequence change replaces glutamic acid, which is acidic and polar, with alanine, which is neutral and non-polar, at codon 1550 of the MYH11 protein (p.Glu1550Ala). This variant is not present in population databases (gnomAD no frequency). This variant has not been reported in the literature in individuals affected with MYH11-related conditions. ClinVar contains an entry for this variant (Variation ID: 439928). Invitae Evidence Modeling of protein sequence and biophysical properties (such as structural, functional, and spatial information, amino acid conservation, physicochemical variation, residue mobility, and thermodynamic stability) indicates that this missense variant is not expected to disrupt MYH11 protein function with a negative predictive value of 95%. In summary, the available evidence is currently insufficient to determine the role of this variant in disease. Therefore, it has been classified as a Variant of Uncertain Significance.

Color Diagnostics, LLC DBA Color Health
Classification: Uncertain significance for Familial thoracic aortic aneurysm and aortic dissection. Last evaluated: 2024-06-24. Review status: criteria provided, single submitter. Criteria: ACMG Guidelines, 2015. Collection method: clinical testing. Allele origin: germline.
Comment: This missense variant replaces glutamic acid with alanine at codon 1550 of the MYH11 protein. Computational prediction suggests that this variant may have deleterious impact on protein structure and function (internally defined REVEL score threshold >= 0.7, PMID: 27666373). To our knowledge, functional studies have not been reported for this variant. This variant has not been reported in individuals affected with MYH11-related disorders in the literature. This variant has been identified in 1/251474 chromosomes in the general population by the Genome Aggregation Database (gnomAD). The available evidence is insufficient to determine the role of this variant in disease conclusively. Therefore, this variant is classified as a Variant of Uncertain Significance.

ARUP Laboratories, Molecular Genetics and Genomics, ARUP Laboratories
Classification: Uncertain significance. Last evaluated: 2016-08-23. Review status: criteria provided, single submitter. Criteria: ARUP Molecular Germline Variant Investigation Process. Collection method: clinical testing. Allele origin: germline.

NM_002474.3(MYH11):c.4628A>C (p.Glu1543Ala)

Genes: MYH11 (myosin heavy chain 11; minus strand), NDE1 (nudE neurodevelopment protein 1; plus strand). Cytogenetic location: 16p13.11.
Variant type: single nucleotide variant.
Coding change: c.4628A>C on transcript NM_002474.3 (MANE Select); coding-DNA position 4628, A replaced by C.
Protein change: p.Glu1543Ala; replaces glutamic acid 1543 with alanine.
Molecular consequence: missense variant. On other transcripts: intron variant (2).
Genome position (GRCh38, 1-based): chr16:15,721,002, T>G on the plus strand (A>C on the coding strand, the complement: MYH11 is on the minus strand). VCF-style: chr16-15721002-T-G. GRCh37 (hg19) VCF-style: chr16-15814859-T-G.
Other names: c.948-3189T>G (NM_017668.3, NM_001143979.2); c.4649A>C, p.Glu1550Ala (NM_001040113.2, NM_001040114.2); c.4628A>C, p.Glu1543Ala (NM_022844.3); short protein forms E1550A, E1543A.
Identifiers: ClinVar variation 439928 (VCV000439928.10), dbSNP rs1555551985, ClinGen allele CA394854448.